The following is an entry in ClinVar:

ClinVar aggregate classification (germline): Uncertain significance. Review status: criteria provided, multiple submitters, no conflicts (2 of 4 stars). 5 submissions from 5 submitters: Uncertain significance (4). 1 of the submissions does not count toward it. Last evaluated 2025-04-27.

Conditions:
Hereditary cancer-predisposing syndrome. Also called: Tumor predisposition; Neoplastic Syndromes, Hereditary; Hereditary Cancer Syndrome; Hereditary neoplastic syndrome. Identifiers: Orphanet 140162, MedGen C0027672, MeSH D009386, MONDO:0015356.
Ataxia-telangiectasia syndrome (AT). Also called: ATAXIA-TELANGIECTASIA, COMPLEMENTATION GROUP A; ATAXIA-TELANGIECTASIA, FRESNO VARIANT; Ataxia-telangiectasia; Ataxia-telangiectasia, complementation group D; AT, COMPLEMENTATION GROUP C; Ataxia-telangiectasia, complementation group E. Identifiers: Orphanet 100, MedGen C0004135, MONDO:0008840, OMIM 208900.

Allele frequency attached by ClinVar (database versions not stated): gnomAD exomes below 0.00001.
gnomAD v4.1: 1 of 1,611,782 alleles (0.000062%); highest among the groups gnomAD compares: Admixed American, 0.0017%; no homozygotes.

Submissions (5):

Labcorp Genetics (formerly Invitae), Labcorp
Classification: Uncertain significance for Ataxia-telangiectasia syndrome. Last evaluated: 2025-04-27. Review status: criteria provided, single submitter. Criteria: Invitae Variant Classification Sherloc (09022015). Collection method: clinical testing. Allele origin: germline.
Comment: This sequence change replaces aspartic acid, which is acidic and polar, with histidine, which is basic and polar, at codon 2137 of the ATM protein (p.Asp2137His). This variant is present in population databases (no rsID available, gnomAD 0.003%). This variant has not been reported in the literature in individuals affected with ATM-related conditions. ClinVar contains an entry for this variant (Variation ID: 826386). Invitae Evidence Modeling of protein sequence and biophysical properties (such as structural, functional, and spatial information, amino acid conservation, physicochemical variation, residue mobility, and thermodynamic stability) has been performed for this missense variant. However, the output from this modeling did not meet the statistical confidence thresholds required to predict the impact of this variant on ATM protein function. In summary, the available evidence is currently insufficient to determine the role of this variant in disease. Therefore, it has been classified as a Variant of Uncertain Significance.

Color Diagnostics, LLC DBA Color Health
Classification: Uncertain significance for Hereditary cancer-predisposing syndrome. Last evaluated: 2024-03-06. Review status: criteria provided, single submitter. Criteria: ACMG Guidelines, 2015. Collection method: clinical testing. Allele origin: germline.
Comment: This missense variant replaces aspartic acid with histidine at codon 2137 of the ATM protein. Computational prediction suggests that this variant may not impact protein structure and function (internally defined REVEL score threshold <= 0.5, PMID: 27666373). To our knowledge, functional studies have not been reported for this variant. This variant has not been reported in individuals affected with ATM-related disorders in the literature. This variant has been identified in 1/249622 chromosomes in the general population by the Genome Aggregation Database (gnomAD). The available evidence is insufficient to determine the role of this variant in disease conclusively. Therefore, this variant is classified as a Variant of Uncertain Significance.

Ambry Genetics
Classification: Uncertain significance for Hereditary cancer-predisposing syndrome. Last evaluated: 2024-02-06. Review status: criteria provided, single submitter. Criteria: Ambry Variant Classification Scheme 2023. Collection method: clinical testing. Allele origin: germline.
Comment: The p.D2137H variant (also known as c.6409G>C), located in coding exon 43 of the ATM gene, results from a G to C substitution at nucleotide position 6409. The aspartic acid at codon 2137 is replaced by histidine, an amino acid with similar properties. This amino acid position is not well conserved in available vertebrate species. In addition, the in silico prediction for this alteration is inconclusive. Since supporting evidence is limited at this time, the clinical significance of this alteration remains unclear.

GeneDx
Classification: Uncertain significance. Last evaluated: 2024-01-18. Review status: criteria provided, single submitter. Criteria: GeneDx Variant Classification Process June 2021. Collection method: clinical testing. Allele origin: germline. Affected: yes.
Comment: Not observed at significant frequency in large population cohorts (gnomAD); In silico analysis supports that this missense variant has a deleterious effect on protein structure/function; Has not been previously published as pathogenic or benign to our knowledge

Natera, Inc.
Classification: Uncertain significance for Ataxia-telangiectasia. Last evaluated: 2020-01-24. Review status: no assertion criteria provided. Collection method: clinical testing. Allele origin: germline. Not counted in ClinVar's aggregate classification.

NM_000051.4(ATM):c.6409G>C (p.Asp2137His)

Genes: ATM (ATM serine/threonine kinase; plus strand), C11orf65 (chromosome 11 open reading frame 65; minus strand). Cytogenetic location: 11q22.3.
Variant type: single nucleotide variant.
Coding change: c.6409G>C on transcript NM_000051.4 (MANE Select); coding-DNA position 6409, G replaced by C.
Protein change: p.Asp2137His; replaces aspartic acid 2137 with histidine.
Molecular consequence: missense variant. On other transcripts: intron variant (2).
Genome position (GRCh38, 1-based): chr11:108,320,015, G>C. VCF-style: chr11-108320015-G-C. GRCh37 (hg19) VCF-style: chr11-108190742-G-C.
Other names: c.6409G>C, p.Asp2137His (NM_001351834.2); c.641-10944C>G (NM_001330368.2); c.*39-10944C>G (NM_001351110.2); short protein forms D2137H.
Identifiers: ClinVar variation 826386 (VCV000826386.57), dbSNP rs1389038955, ClinGen allele CA382553426.